The following is an entry in ClinVar:

NM_000070.3(CAPN3):c.1246C>T (p.Leu416Phe)

Gene: CAPN3 (calpain 3; plus strand). Cytogenetic location: 15q15.1.
Variant type: single nucleotide variant.
Coding change: c.1246C>T on transcript NM_000070.3 (MANE Select); coding-DNA position 1246, C replaced by T.
Protein change: p.Leu416Phe; replaces leucine 416 with phenylalanine.
Molecular consequence: missense variant.
Genome position (GRCh38, 1-based): chr15:42,399,544, C>T. VCF-style: chr15-42399544-C-T. GRCh37 (hg19) VCF-style: chr15-42691742-C-T.
Other names: c.1246C>T, p.Leu416Phe (NM_024344.2); c.1102C>T, p.Leu368Phe (NM_173087.2); short protein forms L368F, L416F.
Identifiers: ClinVar variation 1049159 (VCV001049159.1), dbSNP rs1334589276, ClinGen allele CA391999429.

ClinVar aggregate classification (germline): Uncertain significance (0 of 4 stars; one submission).

Submission:

Department of Pathology and Laboratory Medicine, Sinai Health System
Classification: Uncertain significance. Review status: no assertion criteria provided. Collection method: clinical testing. Allele origin: unknown. Affected: yes. Study: The Canadian Open Genetics Repository (COGR).
Comment: The CAPN3 p.Leu368Phe variant was not identified in the literature nor was it identified in dbSNP, ClinVar or in the following control databases: the 1000 Genomes Project, the NHLBI GO Exome Sequencing Project, the Exome Aggregation Consortium (August 8th 2016), or the Genome Aggregation Database (March 6, 2019, v2.1.1). The p.Leu368 residue is conserved in mammals and computational analyses (PolyPhen-2, SIFT, AlignGVGD, BLOSUM, MutationTaster) provide inconsistent predictions regarding the impact to the protein; this information is not very predictive of pathogenicity. The variant occurs outside of the splicing consensus sequence and in silico or computational prediction software programs (SpliceSiteFinder, MaxEntScan, NNSPLICE, GeneSplicer) do not predict a difference in splicing. In summary, based on the above information the clinical significance of this variant cannot be determined with certainty at this time. This variant is classified as a variant of uncertain significance.